The following is an entry in ClinVar:

NM_001278624.2(NFXL1):c.876G>A (p.Lys292=)

Gene: NFXL1 (nuclear transcription factor, X-box binding like 1; minus strand). Cytogenetic location: 4p12.
Variant type: single nucleotide variant.
Coding change: c.876G>A on transcript NM_001278624.2 (MANE Select); coding-DNA position 876, G replaced by A.
Protein change: p.Lys292=; no amino-acid change (lysine 292 retained).
Molecular consequence: synonymous variant. On other transcripts: non-coding transcript variant (1).
Genome position (GRCh38, 1-based): chr4:47,899,071, C>T on the plus strand (G>A on the coding strand, the complement: NFXL1 is on the minus strand). VCF-style: chr4-47899071-C-T. GRCh37 (hg19) VCF-style: chr4-47901088-C-T.
Other names: c.876G>A, p.Lys292= (NM_001278623.1, NM_152995.6).
Identifiers: ClinVar variation 3056100 (VCV003056100.2), dbSNP rs34323060, ClinGen allele CA2910735.

ClinVar aggregate classification (germline): Benign (0 of 4 stars; one submission).

Conditions:
NFXL1-related disorder. Also called: NFXL1-related condition.

Allele frequency attached by ClinVar (database versions not stated): 1000 Genomes Project 0.01478; 1000 Genomes Project 30x 0.01530; TOPMed 0.02796; ExAC 0.02975; gnomAD 0.03047; ESP Exome Variant Server 0.03421; gnomAD exomes 0.04324.
gnomAD v4.1: 66,976 of 1,596,996 alleles (4.2%); highest among the groups gnomAD compares: Non-Finnish European, 4.9%; 1,568 homozygotes.

Submission:

PreventionGenetics, part of Exact Sciences
Classification: Benign for NFXL1-related condition. Last evaluated: 2020-01-20. Review status: no assertion criteria provided. Collection method: clinical testing. Allele origin: germline.
Comment: This variant is classified as benign based on ACMG/AMP sequence variant interpretation guidelines (Richards et al. 2015 PMID: 25741868, with internal and published modifications).